The following is an entry in ClinVar:

ClinVar aggregate classification (germline): Benign/Likely benign. Review status: criteria provided, multiple submitters, no conflicts (2 of 4 stars). 7 submissions from 7 submitters: Benign (1); Likely benign (6). Last evaluated 2026-01-13.

Conditions:
Familial thoracic aortic aneurysm and aortic dissection (TAAD). Also called: Thoracic aortic aneurysms and dissections. Identifiers: Orphanet 91387, MedGen C4707243, MONDO:0019625.
Aortic aneurysm, familial thoracic 4 (AAT4). Also called: AORTIC ANEURYSM/AORTIC DISSECTION AND PATENT DUCTUS ARTERIOSUS. Identifiers: MedGen C1851504, MONDO:0007568, OMIM 132900.

Allele frequency attached by ClinVar (database versions not stated): TOPMed 0.00010; gnomAD 0.00012 and 0.00013; ExAC 0.00013; ESP Exome Variant Server 0.00015; gnomAD exomes 0.00015 and 0.00036.
gnomAD v4.1: 532 of 1,613,982 alleles (0.033%); highest among the groups gnomAD compares: Non-Finnish European, 0.044%; no homozygotes.

Submissions (7):

Labcorp Genetics (formerly Invitae), Labcorp
Classification: Likely benign for Aortic aneurysm, familial thoracic 4. Last evaluated: 2026-01-13. Review status: criteria provided, single submitter. Criteria: Invitae Variant Classification Sherloc (09022015). Collection method: clinical testing. Allele origin: germline.

Blueprint Genetics
Classification: Likely benign. Last evaluated: 2024-08-05. Review status: criteria provided, single submitter. Criteria: ACMG Guidelines, 2015. Collection method: clinical testing. Allele origin: germline.

ARUP Laboratories, Molecular Genetics and Genomics, ARUP Laboratories
Classification: Likely benign. Last evaluated: 2024-02-20. Review status: criteria provided, single submitter. Criteria: ARUP Molecular Germline Variant Investigation Process 2024. Collection method: clinical testing. Allele origin: germline.

All of Us Research Program, National Institutes of Health
Classification: Likely benign for Familial thoracic aortic aneurysm and aortic dissection. Last evaluated: 2023-12-18. Review status: criteria provided, single submitter. Criteria: ACMG Guidelines, 2015. Collection method: clinical testing. Allele origin: germline. Inheritance: Autosomal dominant inheritance. Observed: 62 variant alleles, 62 heterozygotes.
Comment: This study involves interpretation of variants in research participants for the purpose of population health screening. Participant phenotype was not available at the time of variant classification. Additional details can be found in publication PMID: 35346344, PMCID: PMC8962531

Women's Health and Genetics/Laboratory Corporation of America, LabCorp
Classification: Benign. Last evaluated: 2022-10-22. Review status: criteria provided, single submitter. Criteria: LabCorp Variant Classification Summary - May 2015. Collection method: clinical testing. Allele origin: germline.

Color Diagnostics, LLC DBA Color Health
Classification: Likely benign for Familial thoracic aortic aneurysm and aortic dissection. Last evaluated: 2018-10-24. Review status: criteria provided, single submitter. Criteria: ACMG Guidelines, 2015. Collection method: clinical testing. Allele origin: germline.

GeneDx
Classification: Likely benign. Last evaluated: 2017-07-19. Review status: criteria provided, single submitter. Criteria: GeneDx Variant Classification (06012015). Collection method: clinical testing. Allele origin: germline. Affected: yes.
Comment: This variant is considered likely benign or benign based on one or more of the following criteria: it is a conservative change, it occurs at a poorly conserved position in the protein, it is predicted to be benign by multiple in silico algorithms, and/or has population frequency not consistent with disease.

NM_002474.3(MYH11):c.4954-14G>C

Genes: MYH11 (myosin heavy chain 11; minus strand), NDE1 (nudE neurodevelopment protein 1; plus strand). Cytogenetic location: 16p13.11.
Variant type: single nucleotide variant.
Coding change: c.4954-14G>C on transcript NM_002474.3 (MANE Select); 14 bases into the intron before coding-DNA position 4954, G replaced by C.
Molecular consequence: intron variant.
Genome position (GRCh38, 1-based): chr16:15,719,727, C>G on the plus strand (G>C on the coding strand, the complement: MYH11 is on the minus strand). VCF-style: chr16-15719727-C-G. GRCh37 (hg19) VCF-style: chr16-15813584-C-G.
Other names: c.948-4464C>G (NM_001143979.2, NM_017668.3); c.4954-14G>C (NM_022844.3); c.4975-14G>C (NM_001040114.2, NM_001040113.2).
Identifiers: ClinVar variation 516343 (VCV000516343.16), dbSNP rs375979600, ClinGen allele CA7921482.
Genomic context (GRCh38, chr16:15,719,727, plus strand): 5'-GAGGCACGGGCATCTTCCAGCTCTCTTTGAAAGTCCTTCATCTGAGCCTGCATGAGTCAA[C>G]AGGGAGGACAAGCTCAGATGTCCTTACTCCCCCAAGTTCTGCTGCCCAGTTCAGCTTTGC-3'